The following is an entry in ClinVar:

NM_001145715.3(KPNA7):c.313C>T (p.Pro105Ser)

Gene: KPNA7 (karyopherin subunit alpha 7; minus strand). Cytogenetic location: 7q22.1.
Variant type: single nucleotide variant.
Coding change: c.313C>T on transcript NM_001145715.3 (MANE Select); coding-DNA position 313, C replaced by T.
Protein change: p.Pro105Ser; replaces proline 105 with serine.
Molecular consequence: missense variant.
Genome position (GRCh38, 1-based): chr7:99,195,310, G>A on the plus strand (C>T on the coding strand, the complement: KPNA7 is on the minus strand). VCF-style: chr7-99195310-G-A. GRCh37 (hg19) VCF-style: chr7-98792933-G-A.
Other names: short protein forms P105S.
Identifiers: ClinVar variation 2142058 (VCV002142058.4), dbSNP rs1235715115, ClinGen allele CA368420823.
Genomic context (GRCh38, chr7:99,195,310, plus strand): 5'-ATGACTTCAGGAACTCCACCATCCTGGGAATGAGGCCCGCTTCAATGACCAGTTTCAGAG[G>A]GGGGTTCTTTTCCTGGGATAGCATTTTCCTATGCAATGAAAGAGAGGGCAGGGGAGGGGG-3'
Protein context (NP_001139187.1, residues 95-115): RKMLSQEKNP[Pro105Ser]LKLVIEAGLI

ClinVar aggregate classification (germline): Uncertain significance (1 of 4 stars; one submission).

Submission:

Labcorp Genetics (formerly Invitae), Labcorp
Classification: Uncertain significance. Last evaluated: 2022-04-09. Review status: criteria provided, single submitter. Criteria: Invitae Variant Classification Sherloc (09022015). Collection method: clinical testing. Allele origin: germline.
Comment: This sequence change replaces proline, which is neutral and non-polar, with serine, which is neutral and polar, at codon 105 of the KPNA7 protein (p.Pro105Ser). This variant is not present in population databases (gnomAD no frequency). This variant has not been reported in the literature in individuals affected with KPNA7-related conditions. Algorithms developed to predict the effect of missense changes on protein structure and function (SIFT, PolyPhen-2, Align-GVGD) all suggest that this variant is likely to be disruptive. In summary, the available evidence is currently insufficient to determine the role of this variant in disease. Therefore, it has been classified as a Variant of Uncertain Significance.